The following is an entry in ClinVar:

ClinVar aggregate classification (germline): Uncertain significance (1 of 4 stars; one submission).

Conditions:
Cataract 49. Also called: CARARACT 49, POSTERIOR. Identifiers: MedGen C5562010, MONDO:0030465, OMIM 619593.

gnomAD v4.1: 14 of 1,577,068 alleles (0.00089%); highest among the groups gnomAD compares: South Asian, 0.0023%; no homozygotes.

Submission:

Genomics, Clalit Research Institute, Clalit Health Care
Classification: Uncertain significance for Cataract 49. Last evaluated: 2024-08-06. Review status: criteria provided, single submitter. Criteria: ACMG Guidelines, 2015. Collection method: clinical testing. Allele origin: germline. Inheritance: Autosomal dominant inheritance. Affected: yes. Observed: 1 heterozygote.
Comment: Inheritance: The variant was identified in the Heterozygous state in the sample. Frequency: The variant is rare, observed in 2 alleles out of 189,444 (0.001%) in the gnomAD reference population dataset. Prediction tools: REVEL predicts an uncertain impact on the gene or gene product (score 0.45). Clinical evidence: To date, the variant has not been described by reputable sources or in the primary literature. PM2_P

NM_018216.4(PANK4):c.847G>A (p.Asp283Asn)

Gene: PANK4 (pantothenate kinase 4 (inactive); minus strand). Cytogenetic location: 1p36.32.
Variant type: single nucleotide variant.
Coding change: c.847G>A on transcript NM_018216.4 (MANE Select); coding-DNA position 847, G replaced by A.
Protein change: p.Asp283Asn; replaces aspartic acid 283 with asparagine.
Molecular consequence: missense variant.
Genome position (GRCh38, 1-based): chr1:2,519,807, C>T on the plus strand (G>A on the coding strand, the complement: PANK4 is on the minus strand). VCF-style: chr1-2519807-C-T. GRCh37 (hg19) VCF-style: chr1-2451246-C-T.
Other names: short protein forms D283N.
Identifiers: ClinVar variation 3336602 (VCV003336602.1).